The following is an entry in ClinVar:

NM_013266.4(CTNNA3):c.1201G>C (p.Glu401Gln)

Gene: CTNNA3 (catenin alpha 3; minus strand). Cytogenetic location: 10q21.3.
Variant type: single nucleotide variant.
Coding change: c.1201G>C on transcript NM_013266.4 (MANE Select); coding-DNA position 1201, G replaced by C.
Protein change: p.Glu401Gln; replaces glutamic acid 401 with glutamine.
Molecular consequence: missense variant.
Genome position (GRCh38, 1-based): chr10:66,766,344, C>G on the plus strand (G>C on the coding strand, the complement: CTNNA3 is on the minus strand). VCF-style: chr10-66766344-C-G. GRCh37 (hg19) VCF-style: chr10-68526102-C-G.
Other names: c.1201G>C, p.Glu401Gln (NM_001127384.3); short protein forms E401Q.
Identifiers: ClinVar variation 3270124 (VCV003270124.1).

ClinVar aggregate classification (germline): Uncertain significance (1 of 4 stars; one submission).

Submission:

Ambry Genetics
Classification: Uncertain significance. Last evaluated: 2024-05-03. Review status: criteria provided, single submitter. Criteria: Ambry Variant Classification Scheme 2023. Collection method: clinical testing. Allele origin: germline.
Comment: The p.E401Q variant (also known as c.1201G>C), located in coding exon 8 of the CTNNA3 gene, results from a G to C substitution at nucleotide position 1201. The glutamic acid at codon 401 is replaced by glutamine, an amino acid with highly similar properties. This amino acid position is conserved. In addition, the in silico prediction for this alteration is inconclusive. Based on the available evidence, the clinical significance of this variant remains unclear.